The following is an entry in ClinVar:

ClinVar aggregate classification (germline): Uncertain significance (1 of 4 stars; one submission).

Conditions:
Neurofibromatosis, type 1 (NF1). Also called: VON RECKLINGHAUSEN DISEASE; Neurofibromatosis, type I; NEUROFIBROMATOSIS, TYPE I, SOMATIC; Peripheral type neurofibromatosis. Identifiers: Orphanet 636, MedGen C0027831, MONDO:0018975, OMIM 162200. Disease mechanism: loss of function.

Submission:

Labcorp Genetics (formerly Invitae), Labcorp
Classification: Uncertain significance for Neurofibromatosis, type 1. Last evaluated: 2025-03-24. Review status: criteria provided, single submitter. Criteria: Invitae Variant Classification Sherloc (09022015). Collection method: clinical testing. Allele origin: germline.
Comment: This sequence change replaces cysteine, which is neutral and slightly polar, with arginine, which is basic and polar, at codon 1032 of the NF1 protein (p.Cys1032Arg). This variant is not present in population databases (gnomAD no frequency). This variant has not been reported in the literature in individuals affected with NF1-related conditions. Invitae Evidence Modeling of protein sequence and biophysical properties (such as structural, functional, and spatial information, amino acid conservation, physicochemical variation, residue mobility, and thermodynamic stability) has been performed for this missense variant. However, the output from this modeling did not meet the statistical confidence thresholds required to predict the impact of this variant on NF1 protein function. In summary, the available evidence is currently insufficient to determine the role of this variant in disease. Therefore, it has been classified as a Variant of Uncertain Significance.

NM_001042492.3(NF1):c.3094T>C (p.Cys1032Arg)

Gene: NF1 (neurofibromin 1; plus strand). Cytogenetic location: 17q11.2.
Variant type: single nucleotide variant.
Coding change: c.3094T>C on transcript NM_001042492.3 (MANE Select); coding-DNA position 3094, T replaced by C.
Protein change: p.Cys1032Arg; replaces cysteine 1032 with arginine.
Molecular consequence: missense variant.
Genome position (GRCh38, 1-based): chr17:31,230,363, T>C. VCF-style: chr17-31230363-T-C. GRCh37 (hg19) VCF-style: chr17-29557381-T-C.
Other names: c.3094T>C, p.Cys1032Arg (NM_000267.4); short protein forms C1032R.
Identifiers: ClinVar variation 4800742 (VCV004800742.1).